The following is an entry in ClinVar:

ClinVar aggregate classification (germline): Conflicting classifications of pathogenicity. Review status: criteria provided, conflicting classifications (1 of 4 stars). 2 submissions from 1 submitter: Uncertain significance (1); Likely benign (1). Last evaluated 2018-01-13.

Conditions:
Charcot-Marie-Tooth disease type 4C (CMT4C). Also called: CHARCOT-MARIE-TOOTH DISEASE, DEMYELINATING, AUTOSOMAL RECESSIVE, TYPE 4C; CMT 4C; Charcot-Marie-Tooth Neuropathy Type 4C (CMT4C); CHARCOT-MARIE-TOOTH DISEASE, DEMYELINATING, TYPE 4C; SH3TC2-Related Hereditary Motor and Sensory Neuropathy. Identifiers: Orphanet 99949, MedGen C1866636, MONDO:0011113, OMIM 601596.
Susceptibility to mononeuropathy of the median nerve, mild. Also called: CARPAL TUNNEL SYNDROME, SUSCEPTIBILITY TO. Identifiers: MedGen C3150596, MONDO:0013237, OMIM 613353.

Allele frequency attached by ClinVar (database versions not stated): TOPMed 0.00080; 1000 Genomes Project 0.00140; 1000 Genomes Project 30x 0.00141; gnomAD 0.00146 and 0.00149.
gnomAD v4.1: 223 of 152,318 alleles (0.15%); highest among the groups gnomAD compares: South Asian, 0.21%; 1 homozygote.

Submissions (2):

Illumina Laboratory Services, Illumina
Classification: Uncertain significance for Charcot-Marie-Tooth disease type 4C. Last evaluated: 2018-01-13. Review status: criteria provided, single submitter. Criteria: ICSL Variant Classification Criteria 13 December 2019. Collection method: clinical testing. Allele origin: germline.

Illumina Laboratory Services, Illumina
Classification: Likely benign for Susceptibility to mononeuropathy of the median nerve, mild. Last evaluated: 2018-01-13. Review status: criteria provided, single submitter. Criteria: ICSL Variant Classification Criteria 13 December 2019. Collection method: clinical testing. Allele origin: germline.
Comment: This variant was observed in the ICSL laboratory as part of a predisposition screen in an ostensibly healthy population. It had not been previously curated by ICSL or reported in the Human Gene Mutation Database (HGMD: prior to June 1st, 2018), and was therefore a candidate for classification through an automated scoring system. Utilizing variant allele frequency, disease prevalence and penetrance estimates, and inheritance mode, an automated score was calculated to assess if this variant is too frequent to cause the disease. Based on the score and internal cut-off values, a variant classified as likely benign is not then subjected to further curation. The score for this variant resulted in a classification of likely benign for this disease.

NM_024577.4(SH3TC2):c.*21658A>G

Gene: SH3TC2 (SH3 domain and tetratricopeptide repeats 2; minus strand). Cytogenetic location: 5q32.
Variant type: single nucleotide variant.
Coding change: c.*21658A>G on transcript NM_024577.4 (MANE Select); 21658 bases downstream of the stop codon, A replaced by G.
Molecular consequence: 3 prime UTR variant.
Genome position (GRCh38, 1-based): chr5:148,983,053, T>C on the plus strand (A>G on the coding strand, the complement: SH3TC2 is on the minus strand). VCF-style: chr5-148983053-T-C. GRCh37 (hg19) VCF-style: chr5-148362616-T-C.
Identifiers: ClinVar variation 351576 (VCV000351576.5), dbSNP rs145964634, ClinGen allele CA10619384.
Genomic context (GRCh38, chr5:148,983,053, plus strand): 5'-GCATTGACATTGATGCTGATGTCAAGGTGTTCCCTTTCCTGGGCCTCAGTGTCCCATCTA[T>C]GGGATAAAGAGGGAGAACTAGCAGGTGTTTTAAATACCTCCTGCTAGTCTCACCTTCTGG-3'